The following is an entry in ClinVar:

NM_005188.4(CBL):c.195+3G>A

Gene: CBL (Cbl proto-oncogene; plus strand). Cytogenetic location: 11q23.3.
Variant type: single nucleotide variant.
Coding change: c.195+3G>A on transcript NM_005188.4 (MANE Select); 3 bases into the intron after coding-DNA position 195, G replaced by A.
Molecular consequence: intron variant.
Genome position (GRCh38, 1-based): chr11:119,206,615, G>A. VCF-style: chr11-119206615-G-A. GRCh37 (hg19) VCF-style: chr11-119077325-G-A.
Identifiers: ClinVar variation 377628 (VCV000377628.16), dbSNP rs762062705, ClinGen allele CA6318236.

ClinVar aggregate classification (germline): Conflicting classifications of pathogenicity. Review status: criteria provided, conflicting classifications (1 of 4 stars). 5 submissions from 5 submitters: Uncertain significance (3); Benign (1); Likely benign (1). Last evaluated 2026-08-27.

Conditions:
Noonan syndrome and Noonan-related syndrome. Identifiers: Orphanet 98733, MedGen C5681679, MONDO:0020297.
Cardiovascular phenotype. Identifiers: MedGen CN230736.
RASopathy. Also called: rasopathies; Noonan spectrum disorder. Identifiers: Orphanet 536391, MedGen C5555857, MONDO:0021060.

Allele frequency attached by ClinVar (database versions not stated): TOPMed 0.00003; gnomAD 0.00004 and 0.00003; gnomAD exomes 0.00001; ExAC 0.00006.
gnomAD v4.1: 7 of 1,546,926 alleles (0.00045%); highest among the groups gnomAD compares: African/African-American, 0.0041%; no homozygotes.

Submissions (5):

Ambry Genetics
Classification: Uncertain significance for Cardiovascular phenotype. Last evaluated: 2026-08-27. Review status: criteria provided, single submitter. Criteria: Ambry Variant Classification Scheme 2023. Collection method: clinical testing. Allele origin: germline.
Comment: The c.195+3G>A intronic variant results from a G to A substitution 3 nucleotides after coding exon 1 in the CBL gene. This nucleotide position is highly conserved in available vertebrate species. In silico splice site analysis predicts that this alteration will not have any significant effect on splicing. Based on the available evidence, the clinical significance of this variant remains unclear.

Labcorp Genetics (formerly Invitae), Labcorp
Classification: Uncertain significance for RASopathy. Last evaluated: 2026-01-31. Review status: criteria provided, single submitter. Criteria: Invitae Variant Classification Sherloc (09022015). Collection method: clinical testing. Allele origin: germline.
Comment: This sequence change falls in intron 1 of the CBL gene. It does not directly change the encoded amino acid sequence of the CBL protein. It affects a nucleotide within the consensus splice site. The frequency data for this variant in the population databases is considered unreliable, as metrics indicate poor data quality at this position in the gnomAD database. This variant has not been reported in the literature in individuals affected with CBL-related conditions. ClinVar contains an entry for this variant (Variation ID: 377628). Variants that disrupt the consensus splice site are a relatively common cause of aberrant splicing (PMID: 17576681, 9536098). Algorithms developed to predict the effect of sequence changes on RNA splicing suggest that this variant is not likely to affect RNA splicing. In summary, the available evidence is currently insufficient to determine the role of this variant in disease. Therefore, it has been classified as a Variant of Uncertain Significance.

Blueprint Genetics
Classification: Likely benign. Last evaluated: 2023-09-09. Review status: criteria provided, single submitter. Criteria: ACMG Guidelines, 2015. Collection method: clinical testing. Allele origin: germline.

Genome Diagnostics Laboratory, The Hospital for Sick Children
Classification: Uncertain significance for Noonan syndrome and Noonan-related syndrome. Last evaluated: 2021-01-15. Review status: criteria provided, single submitter. Criteria: ACMG Guidelines, 2015. Collection method: clinical testing. Allele origin: germline.

GeneDx
Classification: Benign. Last evaluated: 2015-04-24. Review status: criteria provided, single submitter. Criteria: GeneDx Variant Classification (06012015). Collection method: clinical testing. Allele origin: germline. Affected: yes.
Comment: This variant is considered likely benign or benign based on one or more of the following criteria: it is a conservative change, it occurs at a poorly conserved position in the protein, it is predicted to be benign by multiple in silico algorithms, and/or has population frequency not consistent with disease.

Literature cited by the submitters: PubMed 17576681 (cited by Labcorp Genetics (formerly Invitae), Labcorp); PubMed 9536098 (cited by Labcorp Genetics (formerly Invitae), Labcorp).